The following is an entry in ClinVar:

NM_213599.3(ANO5):c.2374C>T (p.His792Tyr)

Gene: ANO5 (anoctamin 5; plus strand). Cytogenetic location: 11p14.3.
Variant type: single nucleotide variant.
Coding change: c.2374C>T on transcript NM_213599.3 (MANE Select); coding-DNA position 2374, C replaced by T.
Protein change: p.His792Tyr; replaces histidine 792 with tyrosine.
Molecular consequence: missense variant.
Genome position (GRCh38, 1-based): chr11:22,274,707, C>T. VCF-style: chr11-22274707-C-T. GRCh37 (hg19) VCF-style: chr11-22296253-C-T.
Other names: c.2371C>T, p.His791Tyr (NM_001142649.2); short protein forms H792Y, H791Y.
Identifiers: ClinVar variation 1399808 (VCV001399808.8), dbSNP rs1854766846, ClinGen allele CA379924370.

ClinVar aggregate classification (germline): Uncertain significance (1 of 4 stars; one submission).

Conditions:
Autosomal recessive limb-girdle muscular dystrophy type 2L (LGMDR12). Also called: Limb-girdle muscular dystrophy, type 2L; MUSCULAR DYSTROPHY, LIMB-GIRDLE, AUTOSOMAL RECESSIVE 12; Limb-Girdle Muscular Dystrophy R12 Anoctamin-5-Related (LGMD-R12). Identifiers: Orphanet 206549, MedGen C1969785, MONDO:0012652, OMIM 611307.
Gnathodiaphyseal dysplasia (GDD). Also called: GNATHODIAPHYSEAL SCLEROSIS; OSTEOGENESIS IMPERFECTA WITH UNUSUAL SKELETAL LESIONS. Identifiers: Orphanet 53697, MedGen C1833736, MONDO:0008151, OMIM 166260.

Allele frequency attached by ClinVar (database versions not stated): gnomAD exomes below 0.00001; TOPMed 0.00001.
gnomAD v4.1: 2 of 1,613,538 alleles (0.00012%); highest among the groups gnomAD compares: Admixed American, 0.0017%; no homozygotes.

Submission:

Labcorp Genetics (formerly Invitae), Labcorp
Classification: Uncertain significance for Autosomal recessive limb-girdle muscular dystrophy type 2L; Gnathodiaphyseal dysplasia. Last evaluated: 2021-06-07. Review status: criteria provided, single submitter. Criteria: Invitae Variant Classification Sherloc (09022015). Collection method: clinical testing. Allele origin: germline.
Comment: This sequence change replaces histidine with tyrosine at codon 792 of the ANO5 protein (p.His792Tyr). The histidine residue is weakly conserved and there is a moderate physicochemical difference between histidine and tyrosine. This variant is not present in population databases (ExAC no frequency). This variant has not been reported in the literature in individuals with ANO5-related conditions. Advanced modeling of protein sequence and biophysical properties (such as structural, functional, and spatial information, amino acid conservation, physicochemical variation, residue mobility, and thermodynamic stability) performed at Invitae indicates that this missense variant is not expected to disrupt ANO5 protein function. In summary, the available evidence is currently insufficient to determine the role of this variant in disease. Therefore, it has been classified as a Variant of Uncertain Significance.